The following is an entry in ClinVar:

ClinVar aggregate classification (germline): Uncertain significance. Review status: criteria provided, multiple submitters, no conflicts (2 of 4 stars). 2 submissions from 2 submitters: Uncertain significance (2). Last evaluated 2025-12-06.

Conditions:
Inborn genetic diseases. Identifiers: MedGen C0950123, MeSH D030342.

Allele frequency attached by ClinVar (database versions not stated): ExAC 0.00002; gnomAD exomes 0.00002; TOPMed 0.00003; gnomAD 0.00004; ESP Exome Variant Server 0.00008.
gnomAD v4.1: 36 of 1,614,114 alleles (0.0022%); highest among the groups gnomAD compares: South Asian, 0.0044%; no homozygotes.

Submissions (2):

Labcorp Genetics (formerly Invitae), Labcorp
Classification: Uncertain significance. Last evaluated: 2025-12-06. Review status: criteria provided, single submitter. Criteria: Invitae Variant Classification Sherloc (09022015). Collection method: clinical testing. Allele origin: germline.
Comment: This sequence change replaces arginine, which is basic and polar, with cysteine, which is neutral and slightly polar, at codon 950 of the ARHGAP31 protein (p.Arg950Cys). This variant is present in population databases (rs199928704, gnomAD 0.006%). This variant has not been reported in the literature in individuals affected with ARHGAP31-related conditions. ClinVar contains an entry for this variant (Variation ID: 1369088). An algorithm developed to predict the effect of missense changes on protein structure and function (PolyPhen-2) suggests that this variant is likely to be disruptive. In summary, the available evidence is currently insufficient to determine the role of this variant in disease. Therefore, it has been classified as a Variant of Uncertain Significance.

Ambry Genetics
Classification: Uncertain significance for Inborn genetic diseases. Last evaluated: 2024-10-09. Review status: criteria provided, single submitter. Criteria: Ambry Variant Classification Scheme 2023. Collection method: clinical testing. Allele origin: germline.

NM_020754.4(ARHGAP31):c.2848C>T (p.Arg950Cys)

Gene: ARHGAP31 (Rho GTPase activating protein 31; plus strand). Cytogenetic location: 3q13.33.
Variant type: single nucleotide variant.
Coding change: c.2848C>T on transcript NM_020754.4 (MANE Select); coding-DNA position 2848, C replaced by T.
Protein change: p.Arg950Cys; replaces arginine 950 with cysteine.
Molecular consequence: missense variant.
Genome position (GRCh38, 1-based): chr3:119,414,777, C>T. VCF-style: chr3-119414777-C-T. GRCh37 (hg19) VCF-style: chr3-119133624-C-T.
Other names: c.2848C>T (NM_020754.2); short protein forms R950C.
Identifiers: ClinVar variation 1369088 (VCV001369088.9), dbSNP rs199928704, ClinGen allele CA2554109.